The following is an entry in ClinVar:

NM_004260.4(RECQL4):c.1432C>A (p.His478Asn)

Gene: RECQL4 (RecQ like helicase 4; minus strand). Cytogenetic location: 8q24.3.
Variant type: single nucleotide variant.
Coding change: c.1432C>A on transcript NM_004260.4 (MANE Select); coding-DNA position 1432, C replaced by A.
Protein change: p.His478Asn; replaces histidine 478 with asparagine.
Molecular consequence: missense variant. On other transcripts: 5 prime UTR variant (1), non-coding transcript variant (3).
Genome position (GRCh38, 1-based): chr8:144,515,201, G>T on the plus strand (C>A on the coding strand, the complement: RECQL4 is on the minus strand). VCF-style: chr8-144515201-G-T. GRCh37 (hg19) VCF-style: chr8-145740585-G-T.
Other names: c.1336C>A, p.His446Asn (NM_001413017.1, NM_001413020.1); c.1432C>A, p.His478Asn (NM_001413018.1, NM_001413019.1, NM_001413033.1 and 2 more transcripts); c.361C>A, p.His121Asn (NM_001413021.1, NM_001413022.1, NM_001413023.1 and 8 more transcripts); c.1303C>A, p.His435Asn (NM_001413025.1); c.295C>A, p.His99Asn (NM_001413027.1, NM_001413030.1, NM_001413031.1 and 2 more transcripts); c.1081C>A, p.His361Asn (NM_001413029.1); c.-36C>A (NM_001413043.1); short protein forms H435N, H446N, H99N, H121N, H361N, H478N.
Identifiers: ClinVar variation 2857525 (VCV002857525.3), dbSNP rs750354218, ClinGen allele CA372684857.

ClinVar aggregate classification (germline): Uncertain significance (1 of 4 stars; one submission).

Conditions:
Baller-Gerold syndrome (BGS). Also called: CRANIOSYNOSTOSIS WITH RADIAL DEFECTS. Identifiers: Orphanet 1225, MedGen C0265308, MONDO:0009039, OMIM 218600.

Submission:

Labcorp Genetics (formerly Invitae), Labcorp
Classification: Uncertain significance for Baller-Gerold syndrome. Last evaluated: 2023-04-19. Review status: criteria provided, single submitter. Criteria: Invitae Variant Classification Sherloc (09022015). Collection method: clinical testing. Allele origin: germline.
Comment: In summary, the available evidence is currently insufficient to determine the role of this variant in disease. Therefore, it has been classified as a Variant of Uncertain Significance. Advanced modeling of protein sequence and biophysical properties (such as structural, functional, and spatial information, amino acid conservation, physicochemical variation, residue mobility, and thermodynamic stability) performed at Invitae indicates that this missense variant is expected to disrupt RECQL4 protein function. This variant has not been reported in the literature in individuals affected with RECQL4-related conditions. This variant is not present in population databases (gnomAD no frequency). This sequence change replaces histidine, which is basic and polar, with asparagine, which is neutral and polar, at codon 478 of the RECQL4 protein (p.His478Asn).